The following is an entry in ClinVar:

ClinVar aggregate classification (germline): Pathogenic/Likely pathogenic. Review status: criteria provided, multiple submitters, no conflicts (2 of 4 stars). 2 submissions from 2 submitters: Pathogenic (1); Likely pathogenic (1). Last evaluated 2026-01-14.

Allele frequency attached by ClinVar (database versions not stated): gnomAD exomes 0.00001; gnomAD 0.00003; TOPMed 0.00003.
gnomAD v4.1: 11 of 1,612,900 alleles (0.00068%); highest among the groups gnomAD compares: African/African-American, 0.0094%; no homozygotes.

Submissions (2):

GeneDx
Classification: Likely pathogenic. Last evaluated: 2026-01-14. Review status: criteria provided, single submitter. Criteria: GeneDx Variant Classification Process June 2021. Collection method: clinical testing. Allele origin: germline.
Comment: Nonsense variant predicted to result in protein truncation or nonsense mediated decay in a gene for which loss of function is a known mechanism of disease; Not observed at a significant frequency in large population cohorts (gnomAD); Has not been previously published as pathogenic or benign to our knowledge

Labcorp Genetics (formerly Invitae), Labcorp
Classification: Pathogenic. Last evaluated: 2019-02-07. Review status: criteria provided, single submitter. Criteria: Invitae Variant Classification Sherloc (09022015). Collection method: clinical testing. Allele origin: germline.
Comment: For these reasons, this variant has been classified as Pathogenic. Loss-of-function variants in STAMBP are known to be pathogenic (PMID: 23542699). This variant has not been reported in the literature in individuals with STAMBP-related disease. This variant is not present in population databases (ExAC no frequency). This sequence change creates a premature translational stop signal (p.Gln140*) in the STAMBP gene. It is expected to result in an absent or disrupted protein product.

Literature cited by the submitters: PubMed 23542699 (cited by Labcorp Genetics (formerly Invitae), Labcorp).

NM_213622.4(STAMBP):c.418C>T (p.Gln140Ter)

Gene: STAMBP (STAM binding protein; plus strand). Cytogenetic location: 2p13.1.
Variant type: single nucleotide variant.
Coding change: c.418C>T on transcript NM_213622.4 (MANE Select); coding-DNA position 418, C replaced by T.
Protein change: p.Gln140Ter; replaces glutamine 140 with a stop codon.
Molecular consequence: nonsense. On other transcripts: non-coding transcript variant (4).
Genome position (GRCh38, 1-based): chr2:73,847,429, C>T. VCF-style: chr2-73847429-C-T. GRCh37 (hg19) VCF-style: chr2-74074556-C-T.
Other names: c.418C>T, p.Gln140Ter (NM_001353967.2, NM_001353968.2, NM_001353969.2 and 3 more transcripts); c.13C>T, p.Gln5Ter (NM_001353971.2, NM_001353972.2, NM_001353973.2 and 3 more transcripts); short protein forms Q140*, Q5*.
Identifiers: ClinVar variation 837152 (VCV000837152.9), dbSNP rs1401253918, ClinGen allele CA347305455.